The following is an entry in ClinVar:

ClinVar aggregate classification (germline): Uncertain significance (1 of 4 stars; one submission).

Conditions:
Deficiency of alpha-mannosidase (MANSA). Also called: LYSOSOMAL ALPHA-D-MANNOSIDASE DEFICIENCY; Mannosidosis, alpha-, types I and II; Alpha-Mannosidosis. Identifiers: Orphanet 61, MedGen C0024748, MONDO:0009561, OMIM 248500.

Allele frequency attached by ClinVar (database versions not stated): gnomAD 0.00001; TOPMed 0.00001.
gnomAD v4.1: 1 of 1,614,022 alleles (0.000062%); highest among the groups gnomAD compares: African/African-American, 0.0013%; no homozygotes.

Submission:

Labcorp Genetics (formerly Invitae), Labcorp
Classification: Uncertain significance for Deficiency of alpha-mannosidase. Last evaluated: 2022-08-09. Review status: criteria provided, single submitter. Criteria: Invitae Variant Classification Sherloc (09022015). Collection method: clinical testing. Allele origin: germline.
Comment: ClinVar contains an entry for this variant (Variation ID: 864441). This variant has not been reported in the literature in individuals affected with MAN2B1-related conditions. This variant is not present in population databases (gnomAD no frequency). This sequence change replaces glycine, which is neutral and non-polar, with cysteine, which is neutral and slightly polar, at codon 649 of the MAN2B1 protein (p.Gly649Cys). Advanced modeling of protein sequence and biophysical properties (such as structural, functional, and spatial information, amino acid conservation, physicochemical variation, residue mobility, and thermodynamic stability) performed at Invitae indicates that this missense variant is expected to disrupt MAN2B1 protein function. In summary, the available evidence is currently insufficient to determine the role of this variant in disease. Therefore, it has been classified as a Variant of Uncertain Significance.

NM_000528.4(MAN2B1):c.1945G>T (p.Gly649Cys)

Gene: MAN2B1 (mannosidase alpha class 2B member 1; minus strand). Cytogenetic location: 19p13.13.
Variant type: single nucleotide variant.
Coding change: c.1945G>T on transcript NM_000528.4 (MANE Select); coding-DNA position 1945, G replaced by T.
Protein change: p.Gly649Cys; replaces glycine 649 with cysteine.
Molecular consequence: missense variant.
Genome position (GRCh38, 1-based): chr19:12,652,254, C>A on the plus strand (G>T on the coding strand, the complement: MAN2B1 is on the minus strand). VCF-style: chr19-12652254-C-A. GRCh37 (hg19) VCF-style: chr19-12763068-C-A.
Other names: c.1942G>T, p.Gly648Cys (NM_001173498.2); short protein forms G648C, G649C.
Identifiers: ClinVar variation 864441 (VCV000864441.9), dbSNP rs1481077295, ClinGen allele CA404244311.